The following is an entry in ClinVar:

NM_001625.4(AK2):c.79G>A (p.Gly27Ser)

Genes: AK2 (adenylate kinase 2; minus strand), LOC129930068 (ATAC-STARR-seq lymphoblastoid active region 705; plus strand). Cytogenetic location: 1p35.1.
Variant type: single nucleotide variant.
Coding change: c.79G>A on transcript NM_001625.4 (MANE Select); coding-DNA position 79, G replaced by A.
Protein change: p.Gly27Ser; replaces glycine 27 with serine.
Molecular consequence: missense variant. On other transcripts: 5 prime UTR variant (2), non-coding transcript variant (1).
Genome position (GRCh38, 1-based): chr1:33,036,750, C>T on the plus strand (G>A on the coding strand, the complement: AK2 is on the minus strand). VCF-style: chr1-33036750-C-T. GRCh37 (hg19) VCF-style: chr1-33502351-C-T.
Other names: c.79G>A, p.Gly27Ser (NM_001199199.3, NM_001319141.3, NM_001319142.3 and 2 more transcripts); c.-184G>A (NM_001319139.3, NM_001319140.2); short protein forms G27S.
Identifiers: ClinVar variation 1043936 (VCV001043936.9), dbSNP rs1310763684, ClinGen allele CA339692911.

ClinVar aggregate classification (germline): Uncertain significance (1 of 4 stars; one submission).

Conditions:
Reticular dysgenesis. Also called: ALEUKOCYTOSIS; CONGENITAL ALEUKIA; HEMATOPOIETIC HYPOPLASIA, GENERALIZED; RETICULAR DYSGENESIA; SEVERE COMBINED IMMUNODEFICIENCY WITH LEUKOPENIA; DeVaal disease. Identifiers: Orphanet 33355, MedGen C0272167, MONDO:0009973, OMIM 267500.

Submission:

Labcorp Genetics (formerly Invitae), Labcorp
Classification: Uncertain significance for Reticular dysgenesis. Last evaluated: 2020-06-26. Review status: criteria provided, single submitter. Criteria: Invitae Variant Classification Sherloc (09022015). Collection method: clinical testing. Allele origin: germline.
Comment: In summary, the available evidence is currently insufficient to determine the role of this variant in disease. Therefore, it has been classified as a Variant of Uncertain Significance. Algorithms developed to predict the effect of sequence changes on RNA splicing suggest that this variant may create or strengthen a splice site, but this prediction has not been confirmed by published transcriptional studies. Algorithms developed to predict the effect of missense changes on protein structure and function (SIFT, PolyPhen-2, Align-GVGD) all suggest that this variant is likely to be disruptive, but these predictions have not been confirmed by published functional studies and their clinical significance is uncertain. This variant has not been reported in the literature in individuals with AK2-related conditions. This variant is not present in population databases (ExAC no frequency). This sequence change replaces glycine with serine at codon 27 of the AK2 protein (p.Gly27Ser). The glycine residue is highly conserved and there is a small physicochemical difference between glycine and serine.